The following is an entry in ClinVar:

ClinVar aggregate classification (germline): Uncertain significance (1 of 4 stars; one submission).

Conditions:
Primary ciliary dyskinesia. Also called: Ciliary dyskinesia. Identifiers: Orphanet 244, MedGen C0008780, MONDO:0016575, HP:0012265.

Allele frequency attached by ClinVar (database versions not stated): gnomAD exomes below 0.00001.
gnomAD v4.1: 1 of 1,204,125 alleles (0.000083%); highest among the groups gnomAD compares: East Asian, 0.003%; no homozygotes.

Submission:

Labcorp Genetics (formerly Invitae), Labcorp
Classification: Uncertain significance for Primary ciliary dyskinesia. Last evaluated: 2023-12-31. Review status: criteria provided, single submitter. Criteria: Invitae Variant Classification Sherloc (09022015). Collection method: clinical testing. Allele origin: germline.
Comment: This sequence change replaces alanine, which is neutral and non-polar, with serine, which is neutral and polar, at codon 93 of the RPGR protein (p.Ala93Ser). This variant is present in population databases (no rsID available, gnomAD 0.008%). This variant has not been reported in the literature in individuals affected with RPGR-related conditions. Advanced modeling of protein sequence and biophysical properties (such as structural, functional, and spatial information, amino acid conservation, physicochemical variation, residue mobility, and thermodynamic stability) has been performed at Invitae for this missense variant, however the output from this modeling did not meet the statistical confidence thresholds required to predict the impact of this variant on RPGR protein function. In summary, the available evidence is currently insufficient to determine the role of this variant in disease. Therefore, it has been classified as a Variant of Uncertain Significance.

NM_001034853.2(RPGR):c.277G>T (p.Ala93Ser)

Gene: RPGR (retinitis pigmentosa GTPase regulator; minus strand). Cytogenetic location: Xp11.4.
Variant type: single nucleotide variant.
Coding change: c.277G>T on transcript NM_001034853.2 (MANE Select); coding-DNA position 277, G replaced by T.
Protein change: p.Ala93Ser; replaces alanine 93 with serine.
Molecular consequence: missense variant. On other transcripts: non-coding transcript variant (6).
Genome position (GRCh38, 1-based): chrX:38,321,060, C>A on the plus strand (G>T on the coding strand, the complement: RPGR is on the minus strand). VCF-style: chrX-38321060-C-A. GRCh37 (hg19) VCF-style: chrX-38180313-C-A.
Other names: c.277G>T, p.Ala93Ser (NM_000328.3, NM_001367245.1, NM_001367246.1 and 4 more transcripts); c.307G>T, p.Ala103Ser (NM_001367248.1); short protein forms A103S, A93S.
Identifiers: ClinVar variation 2870943 (VCV002870943.3), dbSNP rs1297637323, ClinGen allele CA412745417.
Genomic context (GRCh38, chrX:38,321,060, plus strand): 5'-GGAAATCATACAGGTTGAGCACTATACCTGTTGACACCAGGGTGTGGTTCCTTCCACAGG[C>A]AGCTAATTTCACTTTTTCAGGTTTTAGAGCTAAAAATATTTAAAATGGGACAATTATTTT-3'
Protein context (NP_001030025.1, residues 83-103): ALKPEKVKLA[Ala93Ser]CGRNHTLVST